The following is an entry in ClinVar:

ClinVar aggregate classification (germline): Uncertain significance (1 of 4 stars; one submission).

Conditions:
Oligodontia-cancer predisposition syndrome. Also called: TOOTH AGENESIS-COLORECTAL CANCER SYNDROME. Identifiers: Orphanet 300576, MedGen C1837750, MONDO:0012075, OMIM 608615. Disease mechanism: loss of function.

Submission:

Labcorp Genetics (formerly Invitae), Labcorp
Classification: Uncertain significance for Oligodontia-cancer predisposition syndrome. Last evaluated: 2023-05-27. Review status: criteria provided, single submitter. Criteria: Invitae Variant Classification Sherloc (09022015). Collection method: clinical testing. Allele origin: germline.
Comment: This variant is not present in population databases (gnomAD no frequency). This sequence change replaces threonine, which is neutral and polar, with serine, which is neutral and polar, at codon 127 of the AXIN2 protein (p.Thr127Ser). This variant has not been reported in the literature in individuals affected with AXIN2-related conditions. In summary, the available evidence is currently insufficient to determine the role of this variant in disease. Therefore, it has been classified as a Variant of Uncertain Significance. Advanced modeling of protein sequence and biophysical properties (such as structural, functional, and spatial information, amino acid conservation, physicochemical variation, residue mobility, and thermodynamic stability) performed at Invitae indicates that this missense variant is expected to disrupt AXIN2 protein function. ClinVar contains an entry for this variant (Variation ID: 2001788).

NM_004655.4(AXIN2):c.380C>G (p.Thr127Ser)

Gene: AXIN2 (axin 2; minus strand). Cytogenetic location: 17q24.1.
Variant type: single nucleotide variant.
Coding change: c.380C>G on transcript NM_004655.4 (MANE Select); coding-DNA position 380, C replaced by G.
Protein change: p.Thr127Ser; replaces threonine 127 with serine.
Molecular consequence: missense variant.
Genome position (GRCh38, 1-based): chr17:65,558,241, G>C on the plus strand (C>G on the coding strand, the complement: AXIN2 is on the minus strand). VCF-style: chr17-65558241-G-C. GRCh37 (hg19) VCF-style: chr17-63554359-G-C.
Other names: c.380C>G, p.Thr127Ser (NM_001363813.1); short protein forms T127S.
Identifiers: ClinVar variation 2001788 (VCV002001788.4), dbSNP rs2544251558, ClinGen allele CA400681516.
Genomic context (GRCh38, chr17:65,558,241, plus strand): 5'-TTGGAGACAATGCTGTTGTTCTCAATGTACCTTTTGTAGATCGCTTTGGCTACTCGTAAA[G>C]TTTTGGTATCCTTCAGGTTCATCTGCCTGAATCCATTGCAGGCAAACCAGAAGTCTAAGG-3'
Protein context (NP_004646.3, residues 117-137): FRQMNLKDTK[Thr127Ser]LRVAKAIYKR